The following is an entry in ClinVar:

ClinVar aggregate classification (germline): Uncertain significance (1 of 4 stars; one submission).

Conditions:
Inborn genetic diseases. Identifiers: MedGen C0950123, MeSH D030342.

Allele frequency attached by ClinVar (database versions not stated): gnomAD 0.00005 and 0.00006; ExAC 0.00009; TOPMed 0.00011.
gnomAD v4.1: 58 of 1,614,104 alleles (0.0036%); highest among the groups gnomAD compares: East Asian, 0.036%; no homozygotes.

Submission:

Ambry Genetics
Classification: Uncertain significance for Inborn genetic diseases. Last evaluated: 2016-08-19. Review status: criteria provided, single submitter. Criteria: Ambry Variant Classification Scheme 2023. Collection method: clinical testing. Allele origin: germline.
Comment: The p.K710N variant (also known as c.2130G>T), located in coding exon 19 of the NSUN2 gene, results from a G to T substitution at nucleotide position 2130. The lysine at codon 710 is replaced by asparagine, an amino acid with similar properties. This variant was not reported in population based cohorts in the following databases: Database of Single Nucleotide Polymorphisms (dbSNP), NHLBI Exome Sequencing Project (ESP), and 1000 Genomes Project. In the ESP, this variant was not observed in 6503 samples (13006 alleles) with coverage at this position. This amino acid position is well conserved in available vertebrate species. In addition, this alteration is predicted to be tolerated by in silico analysis. Since supporting evidence is limited at this time, the clinical significance of this variant remains unclear.

NM_017755.6(NSUN2):c.2130G>T (p.Lys710Asn)

Gene: NSUN2 (NOP2/Sun RNA methyltransferase 2; minus strand). Cytogenetic location: 5p15.31.
Variant type: single nucleotide variant.
Coding change: c.2130G>T on transcript NM_017755.6 (MANE Select); coding-DNA position 2130, G replaced by T.
Protein change: p.Lys710Asn; replaces lysine 710 with asparagine.
Molecular consequence: missense variant. On other transcripts: non-coding transcript variant (1).
Genome position (GRCh38, 1-based): chr5:6,600,100, C>A on the plus strand (G>T on the coding strand, the complement: NSUN2 is on the minus strand). VCF-style: chr5-6600100-C-A. GRCh37 (hg19) VCF-style: chr5-6600213-C-A.
Other names: c.2025G>T, p.Lys675Asn (NM_001193455.2); short protein forms K710N, K675N.
Identifiers: ClinVar variation 588169 (VCV000588169.5), dbSNP rs765960947, ClinGen allele CA3192173.